The following is an entry in ClinVar:

NM_000240.4(MAOA):c.134G>A (p.Arg45Gln)

Gene: MAOA (monoamine oxidase A; plus strand). Cytogenetic location: Xp11.3.
Variant type: single nucleotide variant.
Coding change: c.134G>A on transcript NM_000240.4 (MANE Select); coding-DNA position 134, G replaced by A.
Protein change: p.Arg45Gln; replaces arginine 45 with glutamine.
Molecular consequence: missense variant. On other transcripts: 5 prime UTR variant (1).
Genome position (GRCh38, 1-based): chrX:43,683,573, G>A. VCF-style: chrX-43683573-G-A. GRCh37 (hg19) VCF-style: chrX-43542821-G-A.
Other names: NC_000023.10:g.43542821G>A; c.-266G>A (NM_001270458.2); short protein forms R45Q.
Identifiers: ClinVar variation 3376387 (VCV003376387.3).

ClinVar aggregate classification (germline): Uncertain significance. Review status: criteria provided, multiple submitters, no conflicts (2 of 4 stars). 2 submissions from 2 submitters: Uncertain significance (2). Last evaluated 2025-07-22.

Conditions:
Brunner syndrome (BRNRS). Identifiers: Orphanet 3057, MedGen C0796275, MONDO:0010379, OMIM 300615.

gnomAD v4.1: 8 of 1,206,864 alleles (0.00066%); highest among the groups gnomAD compares: African/African-American, 0.0035%; no homozygotes.

Submissions (4):

3billion
Classification: Uncertain significance for Brunner syndrome. Last evaluated: 2025-07-22. Review status: criteria provided, single submitter. Criteria: ACMG Guidelines, 2015. Collection method: clinical testing. Allele origin: germline. Affected: yes.
Comment: The variant is observed at an extremely low frequency in the gnomAD v4.1.0 dataset (total allele frequency: <0.001%). Predicted Consequence/Location: Missense variant In silico tool predictions suggest damaging effect of the variant on gene or gene product [REVEL: 0.92 (>=0.6, sensitivity 0.68 and specificity 0.92)]. A different missense change at the same codon (p.Arg45Trp) has been reported as pathogenic/likely pathogenic with strong evidence (ClinVar ID: VCV000208353 /PMID: 25807999). Therefore, this variant is classified as VUS according to the recommendation of ACMG/AMP guideline.

Pittsburgh Clinical Genomics Laboratory, University of Pittsburgh Medical Center
Classification: Uncertain significance for Brunner syndrome. Last evaluated: 2023-12-30. Review status: criteria provided, single submitter. Criteria: ACMG Guidelines, 2015. Collection method: clinical testing. Allele origin: germline. Inheritance: X-linked recessive inheritance. Affected: yes.
Comment: This sequence variant is a single nucleotide substitution (G>A) at position 134 of the coding sequence of the MAOA gene that results in an arginine to glutamine amino acid change at residue 45 of the monoamine oxidase A protein. This variant is absent from ClinVar and present in 5 of 294832 alleles (0.0017%) in the gnomAD population dataset. To our knowledge, this variant has not been observed in an individual with a MAOA-related disorder in the published literature. Multiple bioinformatic tools predict that this arginine to glutamine amino acid change would be damaging, and the Arg45 residue at this position is highly conserved across the vertebrate species examined. Studies examining the functional consequence of this variant have not been published, to our knowledge. At this time, there is insufficient evidence to determine if this variant is pathogenic or benign. Therefore, we consider this a variant of uncertain significance. ACMG Criteria: PM2, PP3

Dr. Peter K. Rogan Lab, Western University
No classification provided (evidence only). Condition: Thyroid cancer, nonmedullary, 1. Review status: no classification provided. Collection method: in vitro. Allele origin: not applicable. Functional consequence: skipped exon, retained intron. Not counted in ClinVar's aggregate classification.

Dr. Peter K. Rogan Lab, Western University
No classification provided (evidence only). Condition: Thyroid cancer, nonmedullary, 1. Review status: no classification provided. Collection method: in vitro. Allele origin: not applicable. Functional consequence: skipped exon, retained intron. Not counted in ClinVar's aggregate classification.

Literature cited by the submitters: PubMed 25807999 (cited by 3billion).